The following is an entry in ClinVar:

ClinVar aggregate classification (germline): Uncertain significance. Review status: criteria provided, multiple submitters, no conflicts (2 of 4 stars). 2 submissions from 2 submitters: Uncertain significance (2). Last evaluated 2023-05-01.

Conditions:
Hereditary cancer-predisposing syndrome. Also called: Hereditary Cancer Syndrome; Neoplastic Syndromes, Hereditary; Tumor predisposition; Hereditary neoplastic syndrome. Identifiers: Orphanet 140162, MedGen C0027672, MeSH D009386, MONDO:0015356.
Hereditary nonpolyposis colorectal neoplasms. Identifiers: MedGen C0009405, MeSH D003123.

gnomAD v4.1: 1 of 1,614,104 alleles (0.000062%); highest among the groups gnomAD compares: South Asian, 0.0011%; no homozygotes.

Submissions (2):

Labcorp Genetics (formerly Invitae), Labcorp
Classification: Uncertain significance for Hereditary nonpolyposis colorectal neoplasms. Last evaluated: 2023-05-01. Review status: criteria provided, single submitter. Criteria: Invitae Variant Classification Sherloc (09022015). Collection method: clinical testing. Allele origin: germline.
Comment: In summary, the available evidence is currently insufficient to determine the role of this variant in disease. Therefore, it has been classified as a Variant of Uncertain Significance. Advanced modeling of protein sequence and biophysical properties (such as structural, functional, and spatial information, amino acid conservation, physicochemical variation, residue mobility, and thermodynamic stability) performed at Invitae indicates that this missense variant is not expected to disrupt MSH6 protein function. ClinVar contains an entry for this variant (Variation ID: 1744894). This variant has not been reported in the literature in individuals affected with MSH6-related conditions. This variant is not present in population databases (gnomAD no frequency). This sequence change replaces alanine, which is neutral and non-polar, with threonine, which is neutral and polar, at codon 168 of the MSH6 protein (p.Ala168Thr).

Ambry Genetics
Classification: Uncertain significance for Hereditary cancer-predisposing syndrome. Last evaluated: 2022-09-08. Review status: criteria provided, single submitter. Criteria: Ambry Variant Classification Scheme 2023. Collection method: clinical testing. Allele origin: germline.
Comment: The p.A168T variant (also known as c.502G>A), located in coding exon 3 of the MSH6 gene, results from a G to A substitution at nucleotide position 502. The alanine at codon 168 is replaced by threonine, an amino acid with similar properties. This amino acid position is not well conserved in available vertebrate species. In addition, this alteration is predicted to be tolerated by in silico analysis. Since supporting evidence is limited at this time, the clinical significance of this alteration remains unclear.

NM_000179.3(MSH6):c.502G>A (p.Ala168Thr)

Gene: MSH6 (mutS homolog 6; plus strand). Cytogenetic location: 2p16.3.
Variant type: single nucleotide variant.
Coding change: c.502G>A on transcript NM_000179.3 (MANE Select); coding-DNA position 502, G replaced by A.
Protein change: p.Ala168Thr; replaces alanine 168 with threonine.
Molecular consequence: missense variant. On other transcripts: 5 prime UTR variant (1), intron variant (2).
Genome position (GRCh38, 1-based): chr2:47,795,938, G>A. VCF-style: chr2-47795938-G-A. GRCh37 (hg19) VCF-style: chr2-48023077-G-A.
Other names: c.-401G>A (NM_001281494.2); c.598G>A, p.Ala200Thr (NM_001406795.1, NM_001406802.1); c.502G>A, p.Ala168Thr (NM_001406796.1, NM_001406798.1, NM_001406800.1 and 5 more transcripts); c.205G>A, p.Ala69Thr (NM_001406797.1, NM_001406801.1, NM_001406805.1 and 10 more transcripts); c.-24G>A (NM_001406799.1, NM_001406806.1, NM_001406807.1); c.424G>A, p.Ala142Thr (NM_001406804.1); c.508G>A, p.Ala170Thr (NM_001406813.1); c.-493G>A (NM_001406814.1); and 3 more; short protein forms A112T, A168T, A200T, A69T, A142T, A170T.
Identifiers: ClinVar variation 1744894 (VCV001744894.5), dbSNP rs1333393611, ClinGen allele CA346738650.
Genomic context (GRCh38, chr2:47,795,938, plus strand): 5'-ATACATTTCTTTCTAGGTTCAAAATCAAAGGAAGCCCAGAAGGGAGGTCATTTTTACAGT[G>A]CAAAGCCTGAAATACTGAGAGCAATGCAACGTGCAGATGAAGCCTTAAATAAAGACAAGA-3'
Protein context (NP_000170.1, residues 158-178): EAQKGGHFYS[Ala168Thr]KPEILRAMQR